The following is an entry in ClinVar:

Conditions:
Breast-ovarian cancer, familial, susceptibility to, 1 (BROVCA1). Also called: BRCA1 Hereditary Breast and Ovarian Cancer; OVARIAN CANCER, SUSCEPTIBILITY TO. Identifiers: Orphanet 145, MedGen C2676676, MONDO:0011450, OMIM 604370. Disease mechanism: loss of function.

Submission:

Brotman Baty Institute, University of Washington
No classification provided (evidence only). Condition: Breast-ovarian cancer, familial 1. Review status: no classification provided. Collection method: in vitro. Allele origin: not applicable. Functional consequence: functionally_normal.
ClinVar note: "not provided" was previously submitted as the classification for the variant. However, the classification appeared to be based only on an observation of functional data so it was converted to no classification on 2025-07-30.

NM_007294.4(BRCA1):c.5467+24G>T

Gene: BRCA1 (BRCA1 DNA repair associated; minus strand). Cytogenetic location: 17q21.31.
Variant type: single nucleotide variant.
Coding change: c.5467+24G>T on transcript NM_007294.4 (MANE Select); 24 bases into the intron after coding-DNA position 5467, G replaced by T.
Molecular consequence: intron variant.
Genome position (GRCh38, 1-based): chr17:43,047,619, C>A on the plus strand (G>T on the coding strand, the complement: BRCA1 is on the minus strand). VCF-style: chr17-43047619-C-A. GRCh37 (hg19) VCF-style: chr17-41199636-C-A.
Other names: c.2014+24G>T (NM_001408458.1, NM_001408461.1, NM_001408464.1 and 7 more transcripts); c.4576+24G>T (NM_001407967.1); c.5086+24G>T (NM_001407959.1); c.5200+24G>T (NM_001407931.1, NM_001407932.1, NM_001407928.1 and 4 more transcripts); c.5323+24G>T (NM_001407747.1, NM_001407745.1, NM_001407737.1 and 18 more transcripts); c.5083+24G>T (NM_001407962.1, NM_001407960.1); c.1654+24G>T (NM_001408512.1); c.1777+24G>T (NM_001408510.1); and 83 more.
Identifiers: ClinVar variation 864901 (VCV000864901.3), dbSNP rs2050970770, ClinGen allele CA916080724.